The following is an entry in ClinVar:

NM_005861.4(STUB1):c.886G>C (p.Glu296Gln)

Genes: JMJD8 (jumonji domain containing 8; minus strand), STUB1 (STIP1 homology and U-box containing protein 1; plus strand). Cytogenetic location: 16p13.3.
Variant type: single nucleotide variant.
Coding change: c.886G>C on transcript NM_005861.4 (MANE Select); coding-DNA position 886, G replaced by C.
Protein change: p.Glu296Gln; replaces glutamic acid 296 with glutamine.
Molecular consequence: missense variant. On other transcripts: 3 prime UTR variant (5), non-coding transcript variant (3).
Genome position (GRCh38, 1-based): chr16:682,463, G>C. VCF-style: chr16-682463-G-C. GRCh37 (hg19) VCF-style: chr16-732463-G-C.
Other names: c.670G>C, p.Glu224Gln (NM_001293197.2); c.*331C>G (NM_001005920.4, NM_001323919.3, NM_001323920.3); c.*365C>G (NM_001323918.3, NM_001323922.3); short protein forms E296Q, E224Q.
Identifiers: ClinVar variation 2706655 (VCV002706655.3), dbSNP rs2543818435, ClinGen allele CA394114776.

ClinVar aggregate classification (germline): Uncertain significance (1 of 4 stars; one submission).

Submission:

Labcorp Genetics (formerly Invitae), Labcorp
Classification: Uncertain significance. Last evaluated: 2024-01-25. Review status: criteria provided, single submitter. Criteria: Invitae Variant Classification Sherloc (09022015). Collection method: clinical testing. Allele origin: germline.
Comment: This sequence change replaces glutamic acid, which is acidic and polar, with glutamine, which is neutral and polar, at codon 296 of the STUB1 protein (p.Glu296Gln). This variant is not present in population databases (gnomAD no frequency). This variant has not been reported in the literature in individuals affected with STUB1-related conditions. Advanced modeling of protein sequence and biophysical properties (such as structural, functional, and spatial information, amino acid conservation, physicochemical variation, residue mobility, and thermodynamic stability) performed at Invitae indicates that this missense variant is not expected to disrupt STUB1 protein function with a negative predictive value of 80%. In summary, the available evidence is currently insufficient to determine the role of this variant in disease. Therefore, it has been classified as a Variant of Uncertain Significance.